The following is an entry in ClinVar:

NM_005120.3(MED12):c.5993A>G (p.Tyr1998Cys)

Gene: MED12 (mediator complex subunit 12; plus strand). Cytogenetic location: Xq13.1.
Variant type: single nucleotide variant.
Coding change: c.5993A>G on transcript NM_005120.3 (MANE Select); coding-DNA position 5993, A replaced by G.
Protein change: p.Tyr1998Cys; replaces tyrosine 1998 with cysteine.
Molecular consequence: missense variant.
Genome position (GRCh38, 1-based): chrX:71,137,892, A>G. VCF-style: chrX-71137892-A-G. GRCh37 (hg19) VCF-style: chrX-70357742-A-G.
Other names: c.5993A>G (NM_005120.2); short protein forms Y1998C.
Identifiers: ClinVar variation 1521906 (VCV001521906.7), dbSNP rs1324299187, ClinGen allele CA413539518.

ClinVar aggregate classification (germline): Uncertain significance. Review status: criteria provided, multiple submitters, no conflicts (2 of 4 stars). 2 submissions from 2 submitters: Uncertain significance (2). Last evaluated 2024-02-21.

Conditions:
FG syndrome (FGS). Identifiers: MedGen C0220769, MONDO:0002010.
Familial thoracic aortic aneurysm and aortic dissection (TAAD). Also called: Thoracic aortic aneurysms and dissections. Identifiers: Orphanet 91387, MedGen C4707243, MONDO:0019625.

Allele frequency attached by ClinVar (database versions not stated): gnomAD exomes below 0.00001 and 0.00001.
gnomAD v4.1: 4 of 1,211,503 alleles (0.00033%); highest among the groups gnomAD compares: African/African-American, 0.0017%; no homozygotes.

Submissions (2):

Ambry Genetics
Classification: Uncertain significance for Familial thoracic aortic aneurysm and aortic dissection. Last evaluated: 2024-02-21. Review status: criteria provided, single submitter. Criteria: Ambry Variant Classification Scheme 2023. Collection method: clinical testing. Allele origin: germline.

Labcorp Genetics (formerly Invitae), Labcorp
Classification: Uncertain significance for FG syndrome. Last evaluated: 2023-11-27. Review status: criteria provided, single submitter. Criteria: Invitae Variant Classification Sherloc (09022015). Collection method: clinical testing. Allele origin: germline.
Comment: This sequence change replaces tyrosine, which is neutral and polar, with cysteine, which is neutral and slightly polar, at codon 1998 of the MED12 protein (p.Tyr1998Cys). This variant is present in population databases (no rsID available, gnomAD 0.001%). This variant has not been reported in the literature in individuals affected with MED12-related conditions. ClinVar contains an entry for this variant (Variation ID: 1521906). Advanced modeling of protein sequence and biophysical properties (such as structural, functional, and spatial information, amino acid conservation, physicochemical variation, residue mobility, and thermodynamic stability) has been performed at Invitae for this missense variant, however the output from this modeling did not meet the statistical confidence thresholds required to predict the impact of this variant on MED12 protein function. In summary, the available evidence is currently insufficient to determine the role of this variant in disease. Therefore, it has been classified as a Variant of Uncertain Significance.